The following is an entry in ClinVar:

ClinVar aggregate classification (germline): Uncertain significance (1 of 4 stars; one submission).

Conditions:
Symmetrical dyschromatosis of extremities (DSH). Also called: DYSCHROMATOSIS SYMMETRICA HEREDITARIA 1; Dyschromatosis symmetrica hereditaria; RETICULATE ACROPIGMENTATION OF DOHI; SYMMETRIC DYSCHROMATOSIS OF THE EXTREMITIES. Identifiers: Orphanet 41, MedGen C0406775, MONDO:0007483, OMIM 127400.
Aicardi-Goutieres syndrome 6 (AGS6). Identifiers: Orphanet 51, MedGen C3539013, MONDO:0014007, OMIM 615010.

Submissions (2):

Labcorp Genetics (formerly Invitae), Labcorp
Classification: Uncertain significance for Aicardi-Goutieres syndrome 6; Symmetrical dyschromatosis of extremities. Last evaluated: 2022-10-19. Review status: criteria provided, single submitter. Criteria: Invitae Variant Classification Sherloc (09022015). Collection method: clinical testing. Allele origin: germline.
Comment: This sequence change replaces alanine, which is neutral and non-polar, with valine, which is neutral and non-polar, at codon 425 of the ADAR protein (p.Ala425Val). This variant is not present in population databases (gnomAD no frequency). This variant has not been reported in the literature in individuals affected with ADAR-related conditions. Advanced modeling of protein sequence and biophysical properties (such as structural, functional, and spatial information, amino acid conservation, physicochemical variation, residue mobility, and thermodynamic stability) performed at Invitae indicates that this missense variant is not expected to disrupt ADAR protein function. In summary, the available evidence is currently insufficient to determine the role of this variant in disease. Therefore, it has been classified as a Variant of Uncertain Significance.

Dr. Peter K. Rogan Lab, Western University
No classification provided (evidence only). Condition: Ovarian serous cystadenocarcinoma. Review status: no classification provided. Collection method: in vitro. Allele origin: not applicable. Functional consequence: retained intron. Not counted in ClinVar's aggregate classification.

NM_001111.5(ADAR):c.1274C>T (p.Ala425Val)

Gene: ADAR (adenosine deaminase RNA specific; minus strand). Cytogenetic location: 1q21.3.
Variant type: single nucleotide variant.
Coding change: c.1274C>T on transcript NM_001111.5 (MANE Select); coding-DNA position 1274, C replaced by T.
Protein change: p.Ala425Val; replaces alanine 425 with valine.
Molecular consequence: missense variant.
Genome position (GRCh38, 1-based): chr1:154,601,368, G>A on the plus strand (C>T on the coding strand, the complement: ADAR is on the minus strand). VCF-style: chr1-154601368-G-A. GRCh37 (hg19) VCF-style: chr1-154573844-G-A.
Other names: c.389C>T, p.Ala130Val (NM_001025107.3, NM_001193495.2, NM_001365046.1 and 3 more transcripts); c.1301C>T, p.Ala434Val (NM_001365045.1); c.1274C>T, p.Ala425Val (NM_015840.4, NM_015841.4); short protein forms A130V, A425V, A434V.
Identifiers: ClinVar variation 1721828 (VCV001721828.6), dbSNP rs2526650113, ClinGen allele CA342596965.